The following is an entry in ClinVar:

NM_152641.4(ARID2):c.2466C>T (p.Ile822=)

Gene: ARID2 (AT-rich interaction domain 2; plus strand). Cytogenetic location: 12q12.
Variant type: single nucleotide variant.
Coding change: c.2466C>T on transcript NM_152641.4 (MANE Select); coding-DNA position 2466, C replaced by T.
Protein change: p.Ile822=; no amino-acid change (isoleucine 822 retained).
Molecular consequence: synonymous variant.
Genome position (GRCh38, 1-based): chr12:45,850,589, C>T. VCF-style: chr12-45850589-C-T. GRCh37 (hg19) VCF-style: chr12-46244372-C-T.
Other names: c.2466C>T, p.Ile822= (NM_001347839.2); c.2466C>T (NM_152641.3).
Identifiers: ClinVar variation 784298 (VCV000784298.46), dbSNP rs141401951, ClinGen allele CA6526337.

ClinVar aggregate classification (germline): Likely benign. Review status: criteria provided, multiple submitters, no conflicts (2 of 4 stars). 3 submissions from 3 submitters: Likely benign (2). 1 of the submissions does not count toward it. Last evaluated 2026-06-01.

Conditions:
ARID2-related disorder. Also called: ARID2-related condition.

Allele frequency attached by ClinVar (database versions not stated): gnomAD exomes 0.00017 and 0.00040; ESP Exome Variant Server 0.00023; ExAC 0.00029; gnomAD 0.00029 and 0.00034; TOPMed 0.00066.

Submissions (3):

CeGaT Center for Human Genetics Tuebingen
Classification: Likely benign. Last evaluated: 2026-06-01. Review status: criteria provided, single submitter. Criteria: CeGaT Center For Human Genetics Tuebingen Variant Classification Criteria Version 2. Collection method: clinical testing. Allele origin: germline. Affected: yes. Observed: 3 variant alleles.
Comment: ARID2: BP4, BS1

Labcorp Genetics (formerly Invitae), Labcorp
Classification: Likely benign. Last evaluated: 2019-12-31. Review status: criteria provided, single submitter. Criteria: Invitae Variant Classification Sherloc (09022015). Collection method: clinical testing. Allele origin: germline.

PreventionGenetics, part of Exact Sciences
Classification: Benign for ARID2-related condition. Last evaluated: 2019-07-25. Review status: no assertion criteria provided. Collection method: clinical testing. Allele origin: germline. Not counted in ClinVar's aggregate classification.
Comment: This variant is classified as benign based on ACMG/AMP sequence variant interpretation guidelines (Richards et al. 2015 PMID: 25741868, with internal and published modifications).